The following is an entry in ClinVar:

ClinVar aggregate classification (germline): Pathogenic (1 of 4 stars; one submission).

Conditions:
Developmental and epileptic encephalopathy. Identifiers: MedGen C5779964, MONDO:0100620.

Submission:

Labcorp Genetics (formerly Invitae), Labcorp
Classification: Pathogenic for Early infantile epileptic encephalopathy with suppression bursts. Last evaluated: 2018-07-13. Review status: criteria provided, single submitter. Criteria: Invitae Variant Classification Sherloc (09022015). Collection method: clinical testing. Allele origin: germline.
Comment: This sequence change creates a premature translational stop signal (p.Ala286Glyfs*38) in the CACNA2D2 gene. It is expected to result in an absent or disrupted protein product. This variant is not present in population databases (ExAC no frequency). This variant has not been reported in the literature in individuals with CACNA2D2-related disease. Loss-of-function variants in CACNA2D2 are known to be pathogenic (PMID: 24358150). For these reasons, this variant has been classified as Pathogenic.

NM_006030.4(CACNA2D2):c.851dup (p.Ala286fs)

Gene: CACNA2D2 (calcium voltage-gated channel auxiliary subunit alpha2delta 2; minus strand). Cytogenetic location: 3p21.31.
Variant type: Duplication.
Coding change: c.851dup on transcript NM_006030.4 (MANE Select); coding-DNA position 851, one base duplicated (A; older notation c.851dupA).
Protein change: p.Ala286fs; shifts the reading frame from alanine 286.
Molecular consequence: frameshift variant.
Genome position (GRCh38, 1-based): chr3:50,380,010, T duplicated on the plus strand (A on the coding strand, the reverse complement: CACNA2D2 is on the minus strand). VCF-style (leftmost placement, unchanged base first): chr3-50380009-C-CT. GRCh37 (hg19) VCF-style: chr3-50417440-C-CT.
Other names: c.851dup, p.Ala286fs (NM_001005505.3, NM_001174051.3); c.644dup, p.Ala217fs (NM_001291101.1); short protein forms A217fs, A286fs.
Identifiers: ClinVar variation 653393 (VCV000653393.2), dbSNP rs1575603683, ClinGen allele CA915942487.